The following continues an entry in ClinVar:

NM_015967.8(PTPN22):c.2250G>C (p.Lys750Asn)

ClinVar aggregate classification (germline): Conflicting classifications of pathogenicity. Uncertain significance (2); Likely benign (1).

Submissions 32 to 53 of 53:

Dr. Peter K. Rogan Lab, Western University
No classification provided (evidence only). Condition: Nonpapillary renal cell carcinoma. Review status: no classification provided. Collection method: in vitro. Allele origin: not applicable. Functional consequence: retained intron. Not counted in ClinVar's aggregate classification.

Dr. Peter K. Rogan Lab, Western University
No classification provided (evidence only). Condition: Thymoma. Review status: no classification provided. Collection method: in vitro. Allele origin: not applicable. Functional consequence: retained intron. Not counted in ClinVar's aggregate classification.

Dr. Peter K. Rogan Lab, Western University
No classification provided (evidence only). Condition: Gastric cancer. Review status: no classification provided. Collection method: in vitro. Allele origin: not applicable. Functional consequence: retained intron. Not counted in ClinVar's aggregate classification.

Dr. Peter K. Rogan Lab, Western University
No classification provided (evidence only). Condition: Gastric cancer. Review status: no classification provided. Collection method: in vitro. Allele origin: not applicable. Functional consequence: retained intron. Not counted in ClinVar's aggregate classification.

Dr. Peter K. Rogan Lab, Western University
No classification provided (evidence only). Condition: Malignant tumor of esophagus. Review status: no classification provided. Collection method: in vitro. Allele origin: not applicable. Functional consequence: retained intron. Not counted in ClinVar's aggregate classification.

Dr. Peter K. Rogan Lab, Western University
No classification provided (evidence only). Condition: Nonpapillary renal cell carcinoma. Review status: no classification provided. Collection method: in vitro. Allele origin: not applicable. Functional consequence: retained intron. Not counted in ClinVar's aggregate classification.

Dr. Peter K. Rogan Lab, Western University
No classification provided (evidence only). Condition: Lymphoma. Review status: no classification provided. Collection method: in vitro. Allele origin: not applicable. Functional consequence: retained intron. Not counted in ClinVar's aggregate classification.

Dr. Peter K. Rogan Lab, Western University
No classification provided (evidence only). Condition: Lymphoma. Review status: no classification provided. Collection method: in vitro. Allele origin: not applicable. Functional consequence: retained intron. Not counted in ClinVar's aggregate classification.

Dr. Peter K. Rogan Lab, Western University
No classification provided (evidence only). Condition: Uterine corpus endometrial carcinoma. Review status: no classification provided. Collection method: in vitro. Allele origin: not applicable. Functional consequence: retained intron. Not counted in ClinVar's aggregate classification.

Dr. Peter K. Rogan Lab, Western University
No classification provided (evidence only). Condition: Sarcoma. Review status: no classification provided. Collection method: in vitro. Allele origin: not applicable. Functional consequence: retained intron. Not counted in ClinVar's aggregate classification.

Dr. Peter K. Rogan Lab, Western University
No classification provided (evidence only). Condition: Ovarian serous cystadenocarcinoma. Review status: no classification provided. Collection method: in vitro. Allele origin: not applicable. Functional consequence: retained intron. Not counted in ClinVar's aggregate classification.

Dr. Peter K. Rogan Lab, Western University
No classification provided (evidence only). Condition: Gastric cancer. Review status: no classification provided. Collection method: in vitro. Allele origin: not applicable. Functional consequence: retained intron. Not counted in ClinVar's aggregate classification.

Dr. Peter K. Rogan Lab, Western University
No classification provided (evidence only). Condition: Gastric cancer. Review status: no classification provided. Collection method: in vitro. Allele origin: not applicable. Functional consequence: retained intron. Not counted in ClinVar's aggregate classification.

Dr. Peter K. Rogan Lab, Western University
No classification provided (evidence only). Condition: Familial pancreatic carcinoma. Review status: no classification provided. Collection method: in vitro. Allele origin: not applicable. Functional consequence: retained intron. Not counted in ClinVar's aggregate classification.

Dr. Peter K. Rogan Lab, Western University
No classification provided (evidence only). Condition: Sarcoma. Review status: no classification provided. Collection method: in vitro. Allele origin: not applicable. Functional consequence: retained intron. Not counted in ClinVar's aggregate classification.

Dr. Peter K. Rogan Lab, Western University
No classification provided (evidence only). Condition: Hepatocellular carcinoma. Review status: no classification provided. Collection method: in vitro. Allele origin: not applicable. Functional consequence: retained intron. Not counted in ClinVar's aggregate classification.

Dr. Peter K. Rogan Lab, Western University
No classification provided (evidence only). Condition: Gastric cancer. Review status: no classification provided. Collection method: in vitro. Allele origin: not applicable. Functional consequence: retained intron. Not counted in ClinVar's aggregate classification.

Dr. Peter K. Rogan Lab, Western University
No classification provided (evidence only). Condition: Gastric cancer. Review status: no classification provided. Collection method: in vitro. Allele origin: not applicable. Functional consequence: retained intron. Not counted in ClinVar's aggregate classification.

Dr. Peter K. Rogan Lab, Western University
No classification provided (evidence only). Condition: Gastric cancer. Review status: no classification provided. Collection method: in vitro. Allele origin: not applicable. Functional consequence: retained intron. Not counted in ClinVar's aggregate classification.

Dr. Peter K. Rogan Lab, Western University
No classification provided (evidence only). Condition: Malignant tumor of esophagus. Review status: no classification provided. Collection method: in vitro. Allele origin: not applicable. Functional consequence: retained intron. Not counted in ClinVar's aggregate classification.

Dr. Peter K. Rogan Lab, Western University
No classification provided (evidence only). Condition: Lymphoma. Review status: no classification provided. Collection method: in vitro. Allele origin: not applicable. Functional consequence: retained intron. Not counted in ClinVar's aggregate classification.

Dr. Peter K. Rogan Lab, Western University
No classification provided (evidence only). Condition: Lymphoma. Review status: no classification provided. Collection method: in vitro. Allele origin: not applicable. Functional consequence: skipped exon, retained intron. Not counted in ClinVar's aggregate classification.